The following is an entry in ClinVar:

ClinVar aggregate classification (germline): Uncertain significance (1 of 4 stars; one submission).

Allele frequency attached by ClinVar (database versions not stated): gnomAD exomes below 0.00001.
gnomAD v4.1: 2 of 1,612,954 alleles (0.00012%); highest among the groups gnomAD compares: Non-Finnish European, 0.00017%; no homozygotes.

Submission:

Labcorp Genetics (formerly Invitae), Labcorp
Classification: Uncertain significance. Last evaluated: 2022-02-05. Review status: criteria provided, single submitter. Criteria: Invitae Variant Classification Sherloc (09022015). Collection method: clinical testing. Allele origin: germline.
Comment: This sequence change replaces leucine, which is neutral and non-polar, with proline, which is neutral and non-polar, at codon 50 of the NDUFAF3 protein (p.Leu50Pro). This variant is not present in population databases (gnomAD no frequency). In summary, the available evidence is currently insufficient to determine the role of this variant in disease. Therefore, it has been classified as a Variant of Uncertain Significance. Algorithms developed to predict the effect of missense changes on protein structure and function (SIFT, PolyPhen-2, Align-GVGD) all suggest that this variant is likely to be disruptive. This variant has not been reported in the literature in individuals affected with NDUFAF3-related conditions.

NM_199069.2(NDUFAF3):c.149T>C (p.Leu50Pro)

Gene: NDUFAF3 (NADH:ubiquinone oxidoreductase complex assembly factor 3; plus strand). Cytogenetic location: 3p21.31.
Variant type: single nucleotide variant.
Coding change: c.149T>C on transcript NM_199069.2 (MANE Select); coding-DNA position 149, T replaced by C.
Protein change: p.Leu50Pro; replaces leucine 50 with proline.
Molecular consequence: missense variant. On other transcripts: 5 prime UTR variant (3).
Genome position (GRCh38, 1-based): chr3:49,022,417, T>C. VCF-style: chr3-49022417-T-C. GRCh37 (hg19) VCF-style: chr3-49059850-T-C.
Other names: c.-23T>C (NM_199070.2, NM_199073.2, NM_199074.2); short protein forms L50P.
Identifiers: ClinVar variation 1519839 (VCV001519839.8), dbSNP rs2106770663, ClinGen allele CA352727581.